The following is an entry in ClinVar:

NM_007194.4(CHEK2):c.195_198del (p.Val66fs)

Gene: CHEK2 (checkpoint kinase 2; minus strand). Cytogenetic location: 22q12.1.
Variant type: Deletion.
Coding change: c.195_198del on transcript NM_007194.4 (MANE Select); coding-DNA positions 195 to 198, 4 bases deleted (AGTG; older notation c.195_198delAGTG).
Protein change: p.Val66fs; shifts the reading frame from valine 66.
Molecular consequence: frameshift variant.
Genome position (GRCh38, 1-based): chr22:28,734,524-28,734,527, CACT deleted on the plus strand (AGTG on the coding strand, the reverse complement: CHEK2 is on the minus strand). VCF-style (leftmost placement, unchanged base first): chr22-28734523-ACACT-A. GRCh37 (hg19) VCF-style: chr22-29130511-ACACT-A.
Other names: c.195_198delAGTG, p.Val66Profs (NM_001005735.3, NM_001349956.3, NM_145862.3); c.-583_-580delAGTG (NM_001257387.3); short protein forms V66fs.
Identifiers: ClinVar variation 3266950 (VCV003266950.1).

ClinVar aggregate classification (germline): Pathogenic (1 of 4 stars; one submission).

Conditions:
Hereditary cancer-predisposing syndrome. Also called: Hereditary Cancer Syndrome; Tumor predisposition; Hereditary neoplastic syndrome; Neoplastic Syndromes, Hereditary. Identifiers: Orphanet 140162, MedGen C0027672, MeSH D009386, MONDO:0015356.

Submission:

Ambry Genetics
Classification: Pathogenic for Hereditary cancer-predisposing syndrome. Last evaluated: 2024-03-25. Review status: criteria provided, single submitter. Criteria: Ambry Variant Classification Scheme 2023. Collection method: clinical testing. Allele origin: germline.
Comment: The c.195_198delAGTG pathogenic mutation, located in coding exon 1 of the CHEK2 gene, results from a deletion of 4 nucleotides at nucleotide positions 195 to 198, causing a translational frameshift with a predicted alternate stop codon (p.V66Pfs*43). This alteration is expected to result in loss of function by premature protein truncation or nonsense-mediated mRNA decay. This variant is considered to be rare based on population cohorts in the Genome Aggregation Database (gnomAD). Based on the supporting evidence, this alteration is interpreted as a disease-causing mutation.